The following is an entry in ClinVar:

NM_177438.3(DICER1):c.4672A>G (p.Ser1558Gly)

Gene: DICER1 (dicer 1, ribonuclease III; minus strand). Cytogenetic location: 14q32.13.
Variant type: single nucleotide variant.
Coding change: c.4672A>G on transcript NM_177438.3 (MANE Select); coding-DNA position 4672, A replaced by G.
Protein change: p.Ser1558Gly; replaces serine 1558 with glycine.
Molecular consequence: missense variant. On other transcripts: non-coding transcript variant (6).
Genome position (GRCh38, 1-based): chr14:95,096,248, T>C on the plus strand (A>G on the coding strand, the complement: DICER1 is on the minus strand). VCF-style: chr14-95096248-T-C. GRCh37 (hg19) VCF-style: chr14-95562585-T-C.
Other names: c.4672A>G, p.Ser1558Gly (NM_001195573.1, NM_001271282.3, NM_001291628.2 and 13 more transcripts); c.4390A>G, p.Ser1464Gly (NM_001395686.1); c.4267A>G, p.Ser1423Gly (NM_001395687.1, NM_001395688.1, NM_001395689.1 and 2 more transcripts); c.4105A>G, p.Ser1369Gly (NM_001395691.1); c.2989A>G, p.Ser997Gly (NM_001395697.1); short protein forms S1558G, S1369G, S1423G, S1464G, S997G.
Identifiers: ClinVar variation 1742330 (VCV001742330.2), dbSNP rs2542490428, ClinGen allele CA390867554.

ClinVar aggregate classification (germline): Uncertain significance (1 of 4 stars; one submission).

Conditions:
Hereditary cancer-predisposing syndrome. Also called: Hereditary Cancer Syndrome; Hereditary neoplastic syndrome; Neoplastic Syndromes, Hereditary; Tumor predisposition. Identifiers: Orphanet 140162, MedGen C0027672, MeSH D009386, MONDO:0015356.

Submission:

Ambry Genetics
Classification: Uncertain significance for Hereditary cancer-predisposing syndrome. Last evaluated: 2022-07-05. Review status: criteria provided, single submitter. Criteria: Ambry Variant Classification Scheme 2023. Collection method: clinical testing. Allele origin: germline.
Comment: The p.S1558G variant (also known as c.4672A>G), located in coding exon 22 of the DICER1 gene, results from an A to G substitution at nucleotide position 4672. The serine at codon 1558 is replaced by glycine, an amino acid with similar properties. This amino acid position is conserved. In addition, this alteration is predicted to be deleterious by in silico analysis. Since supporting evidence is limited at this time, the clinical significance of this alteration remains unclear.